The following is an entry in ClinVar:

ClinVar aggregate classification (germline): Uncertain significance (1 of 4 stars; one submission).

Conditions:
Autosomal dominant nocturnal frontal lobe epilepsy 5. Also called: KCNT1-Related Epilepsy; CILIARY DYSKINESIA, PRIMARY, 28, WITHOUT SITUS INVERSUS; CILIARY DYSKINESIA, PRIMARY, 28, WITH SITUS INVERSUS; Epilepsy, nocturnal frontal lobe, 5. Identifiers: Orphanet 98784, MedGen C3554306, MONDO:0014002, OMIM 615005.
Developmental and epileptic encephalopathy, 14 (DEE14). Also called: Early infantile epileptic encephalopathy 14. Identifiers: Orphanet 293181, MedGen C3554195, MONDO:0013989, OMIM 614959.

Allele frequency attached by ClinVar (database versions not stated): gnomAD exomes below 0.00001; ExAC 0.00001; gnomAD 0.00001.
gnomAD v4.1: 8 of 1,609,220 alleles (0.0005%); highest among the groups gnomAD compares: Middle Eastern, 0.05%; no homozygotes.

Submission:

Labcorp Genetics (formerly Invitae), Labcorp
Classification: Uncertain significance for Autosomal dominant nocturnal frontal lobe epilepsy 5; Developmental and epileptic encephalopathy, 14. Last evaluated: 2023-02-16. Review status: criteria provided, single submitter. Criteria: Invitae Variant Classification Sherloc (09022015). Collection method: clinical testing. Allele origin: germline.
Comment: In summary, the available evidence is currently insufficient to determine the role of this variant in disease. Therefore, it has been classified as a Variant of Uncertain Significance. Advanced modeling of protein sequence and biophysical properties (such as structural, functional, and spatial information, amino acid conservation, physicochemical variation, residue mobility, and thermodynamic stability) performed at Invitae indicates that this missense variant is not expected to disrupt KCNT1 protein function. ClinVar contains an entry for this variant (Variation ID: 1020320). This variant has not been reported in the literature in individuals affected with KCNT1-related conditions. The frequency data for this variant in the population databases is considered unreliable, as metrics indicate poor data quality at this position in the gnomAD database. This sequence change replaces glycine, which is neutral and non-polar, with arginine, which is basic and polar, at codon 11 of the KCNT1 protein (p.Gly11Arg).

NM_020822.3(KCNT1):c.31G>A (p.Gly11Arg)

Gene: KCNT1 (potassium sodium-activated channel subfamily T member 1; plus strand). Cytogenetic location: 9q34.3.
Variant type: single nucleotide variant.
Coding change: c.31G>A on transcript NM_020822.3 (MANE Select); coding-DNA position 31, G replaced by A.
Protein change: p.Gly11Arg; replaces glycine 11 with arginine.
Molecular consequence: missense variant.
Genome position (GRCh38, 1-based): chr9:135,702,289, G>A. VCF-style: chr9-135702289-G-A. GRCh37 (hg19) VCF-style: chr9-138594135-G-A.
Other names: c.31G>A, p.Gly11Arg (NM_001272003.2); short protein forms G11R.
Identifiers: ClinVar variation 1020320 (VCV001020320.9), dbSNP rs775548158, ClinGen allele CA5326226.